The following is an entry in ClinVar:

NM_014159.7(SETD2):c.1562C>G (p.Thr521Ser)

Gene: SETD2 (SET domain containing 2, histone lysine methyltransferase; minus strand). Cytogenetic location: 3p21.31.
Variant type: single nucleotide variant.
Coding change: c.1562C>G on transcript NM_014159.7 (MANE Select); coding-DNA position 1562, C replaced by G.
Protein change: p.Thr521Ser; replaces threonine 521 with serine.
Molecular consequence: missense variant. On other transcripts: non-coding transcript variant (1).
Genome position (GRCh38, 1-based): chr3:47,123,074, G>C on the plus strand (C>G on the coding strand, the complement: SETD2 is on the minus strand). VCF-style: chr3-47123074-G-C. GRCh37 (hg19) VCF-style: chr3-47164564-G-C.
Other names: c.1430C>G, p.Thr477Ser (NM_001349370.3); short protein forms T477S, T521S.
Identifiers: ClinVar variation 1359180 (VCV001359180.8), dbSNP rs1432277979, ClinGen allele CA352529968.
Genomic context (GRCh38, chr3:47,123,074, plus strand): 5'-CGTCGGAATCCCAGTTCATTAGGGGGAGAACAACATCTTTTAATTGCTTCATTTTCTGAA[G>C]TCCTTTTAGATTCTCTTTCTAGTTTTGAAGAATACTTGCCTCTTCTTTCCATCTCTAAGT-3'
Protein context (NP_054878.5, residues 511-531): SSKLERESKR[Thr521Ser]SENEAIKRCC

ClinVar aggregate classification (germline): Uncertain significance (1 of 4 stars; one submission).

Conditions:
Luscan-Lumish syndrome. Identifiers: Orphanet 597738, MedGen C4085873, MONDO:0014791, OMIM 616831.

Allele frequency attached by ClinVar (database versions not stated): gnomAD 0.00001; TOPMed 0.00002.
gnomAD v4.1: 36 of 1,613,534 alleles (0.0022%); highest among the groups gnomAD compares: Non-Finnish European, 0.003%; no homozygotes.

Submission:

Labcorp Genetics (formerly Invitae), Labcorp
Classification: Uncertain significance for Luscan-Lumish syndrome. Last evaluated: 2021-04-27. Review status: criteria provided, single submitter. Criteria: Invitae Variant Classification Sherloc (09022015). Collection method: clinical testing. Allele origin: germline.
Comment: In summary, the available evidence is currently insufficient to determine the role of this variant in disease. Therefore, it has been classified as a Variant of Uncertain Significance. Algorithms developed to predict the effect of missense changes on protein structure and function are either unavailable or do not agree on the potential impact of this missense change (SIFT: "Tolerated"; PolyPhen-2: "Possibly Damaging"; Align-GVGD: "Class C0"). This variant has not been reported in the literature in individuals with SETD2-related conditions. This variant is not present in population databases (ExAC no frequency). This sequence change replaces threonine with serine at codon 521 of the SETD2 protein (p.Thr521Ser). The threonine residue is moderately conserved and there is a small physicochemical difference between threonine and serine.